The following is an entry in ClinVar:

ClinVar aggregate classification (germline): Likely pathogenic (1 of 4 stars; one submission).

Conditions:
Inborn genetic diseases. Identifiers: MedGen C0950123, MeSH D030342.

Submission:

Ambry Genetics
Classification: Likely pathogenic for Inborn genetic diseases. Last evaluated: 2024-07-23. Review status: criteria provided, single submitter. Criteria: Ambry Variant Classification Scheme 2023. Collection method: clinical testing. Allele origin: germline.
Comment: The c.4399delC (p.H1467Ifs*36) alteration, located in exon 36 (coding exon 36) of the DIP2C gene, consists of a deletion of one nucleotide at position 4399, causing a translational frameshift with a predicted alternate stop codon after 36 amino acids. This alteration occurs at the 3' terminus of the DIP2C gene, is not expected to trigger nonsense-mediated mRNA decay, and only impacts the last 5.78% of the protein. However, premature stop codons are typically deleterious in nature and a significant portion of the protein is affected (Ambry internal data). This variant was not reported in population-based cohorts in the Genome Aggregation Database (gnomAD). Based on the available evidence, this alteration is classified as likely pathogenic.

NM_014974.3(DIP2C):c.4399del (p.His1467fs)

Gene: DIP2C (disco interacting protein 2 homolog C; minus strand). Cytogenetic location: 10p15.3.
Variant type: Deletion.
Coding change: c.4399del on transcript NM_014974.3 (MANE Select); coding-DNA position 4399, one base deleted (C; older notation c.4399delC).
Protein change: p.His1467fs; shifts the reading frame from histidine 1467.
Molecular consequence: frameshift variant.
Genome position (GRCh38, 1-based): chr10:281,219, G deleted on the plus strand (C on the coding strand, the reverse complement: DIP2C is on the minus strand); the first of 3 consecutive G bases (chr10:281,219-281,221); deleting any one gives the same sequence. VCF-style (leftmost placement, unchanged base first): chr10-281218-TG-T. GRCh37 (hg19) VCF-style: chr10-327158-TG-T.
Other names: short protein forms H1467fs.
Identifiers: ClinVar variation 3502059 (VCV003502059.1).